The following is an entry in ClinVar:

NM_001382241.1(TNPO2):c.2067A>T (p.Gly689=)

Gene: TNPO2 (transportin 2; minus strand). Cytogenetic location: 19p13.13.
Variant type: single nucleotide variant.
Coding change: c.2067A>T on transcript NM_001382241.1 (MANE Select); coding-DNA position 2067, A replaced by T.
Protein change: p.Gly689=; no amino-acid change (glycine 689 retained).
Molecular consequence: synonymous variant. On other transcripts: non-coding transcript variant (6).
Genome position (GRCh38, 1-based): chr19:12,703,757, T>A on the plus strand (A>T on the coding strand, the complement: TNPO2 is on the minus strand). VCF-style: chr19-12703757-T-A. GRCh37 (hg19) VCF-style: chr19-12814571-T-A.
Other names: c.2067A>T, p.Gly689= (NM_001136195.2, NM_001136196.2, NM_001382236.1 and 7 more transcripts).
Identifiers: ClinVar variation 4821111 (VCV004821111.4).

ClinVar aggregate classification (germline): Likely benign (1 of 4 stars; one submission).

gnomAD v4.1: 6 of 1,606,256 alleles (0.00037%); highest among the groups gnomAD compares: Non-Finnish European, 0.00051%; no homozygotes.

Submission:

CeGaT Center for Human Genetics Tuebingen
Classification: Likely benign. Last evaluated: 2026-02-01. Review status: criteria provided, single submitter. Criteria: CeGaT Center For Human Genetics Tuebingen Variant Classification Criteria Version 2. Collection method: clinical testing. Allele origin: germline. Affected: yes. Observed: 1 variant allele.
Comment: TNPO2: BP4, BP7